The following is an entry in ClinVar:

ClinVar aggregate classification (germline): Conflicting classifications of pathogenicity. Review status: criteria provided, conflicting classifications (1 of 4 stars). 4 submissions from 4 submitters: Uncertain significance (3); Likely benign (1). Last evaluated 2025-06-03.

Conditions:
Cardiovascular phenotype. Identifiers: MedGen CN230736.
Long QT syndrome (LQTS). Identifiers: MedGen C0023976, MeSH D008133, MONDO:0002442. Disease mechanism: loss of function. Inheritance: Various modes of inheritance.
Long QT syndrome 12 (LQT12). Identifiers: Orphanet 101016, Orphanet 768, MedGen C2751830, MONDO:0013062, OMIM 612955.

Allele frequency attached by ClinVar (database versions not stated): gnomAD 0.00001; TOPMed 0.00002; gnomAD exomes 0.00006 and 0.00012; ExAC 0.00007.
gnomAD v4.1: 39 of 1,613,816 alleles (0.0024%); highest among the groups gnomAD compares: Admixed American, 0.063%; no homozygotes.

Submissions (4):

Ambry Genetics
Classification: Likely benign for Cardiovascular phenotype. Last evaluated: 2025-06-03. Review status: criteria provided, single submitter. Criteria: Ambry Variant Classification Scheme 2023. Collection method: clinical testing. Allele origin: germline.

Labcorp Genetics (formerly Invitae), Labcorp
Classification: Uncertain significance for Long QT syndrome. Last evaluated: 2025-03-25. Review status: criteria provided, single submitter. Criteria: Invitae Variant Classification Sherloc (09022015). Collection method: clinical testing. Allele origin: germline.
Comment: This sequence change replaces phenylalanine, which is neutral and non-polar, with leucine, which is neutral and non-polar, at codon 176 of the SNTA1 protein (p.Phe176Leu). This variant is present in population databases (rs781703999, gnomAD 0.08%), and has an allele count higher than expected for a pathogenic variant. This variant has not been reported in the literature in individuals affected with SNTA1-related conditions. ClinVar contains an entry for this variant (Variation ID: 190909). Invitae Evidence Modeling of protein sequence and biophysical properties (such as structural, functional, and spatial information, amino acid conservation, physicochemical variation, residue mobility, and thermodynamic stability) indicates that this missense variant is not expected to disrupt SNTA1 protein function with a negative predictive value of 80%. In summary, the available evidence is currently insufficient to determine the role of this variant in disease. Therefore, it has been classified as a Variant of Uncertain Significance.

Fulgent Genetics
Classification: Uncertain significance for Long QT syndrome 12. Last evaluated: 2022-05-31. Review status: criteria provided, single submitter. Criteria: ACMG Guidelines, 2015. Collection method: clinical testing. Allele origin: unknown.

GeneDx
Classification: Uncertain significance. Last evaluated: 2014-01-20. Review status: criteria provided, single submitter. Criteria: GeneDx Variant Classification (06012015). Collection method: clinical testing. Allele origin: germline. Affected: yes.
Comment: The F176L variant in the SNTA1 gene has not been reported as a disease-causing mutation or as a benign polymorphism to our knowledge. The F176L variant is a semi-conservative amino acid substitution as these residues share similar properties, but differ in size, charge, or other properties which may impact secondary structure. In silico analysis predicts F176L is possibly damaging to the protein structure/function. The F176L variant was not observed in approximately 6,500 individuals of European and African American ancestry in the NHLBI Exome Sequencing Project, indicating it is not a common benign variant in these populations. However, no mutations in nearby residues have been reported in association with LQTS, suggesting that this region of the protein may be tolerant to change. With the clinical and molecular information available at this time, we cannot definitively determine if F176L is a disease-causing mutation or a rare benign variant. The pathogenic role for this variant would be further supported if it occurred de novo in an individual or if it co-segregates with an LQTS phenotype in a family. The variant is found in LQT panel(s).

NM_003098.3(SNTA1):c.526T>C (p.Phe176Leu)

Gene: SNTA1 (syntrophin alpha 1; minus strand). Cytogenetic location: 20q11.21.
Variant type: single nucleotide variant.
Coding change: c.526T>C on transcript NM_003098.3 (MANE Select); coding-DNA position 526, T replaced by C.
Protein change: p.Phe176Leu; replaces phenylalanine 176 with leucine.
Molecular consequence: missense variant.
Genome position (GRCh38, 1-based): chr20:33,417,894, A>G on the plus strand (T>C on the coding strand, the complement: SNTA1 is on the minus strand). VCF-style: chr20-33417894-A-G. GRCh37 (hg19) VCF-style: chr20-32005700-A-G.
Other names: p.F176L:TTC>CTC; short protein forms F176L.
Identifiers: ClinVar variation 190909 (VCV000190909.12), dbSNP rs781703999, ClinGen allele CA302258.
Genomic context (GRCh38, chr20:33,417,894, plus strand): 5'-GAAGGGGTGAGGCAGGAGGTGAGTCCCAGCCGACCGAGGTCCCACCAGTAGAGTTCTTGA[A>G]ATACGGTGAGACGTCCTTCATATACTTGACTGATTGGGAGAGACATCAGCAGTCACCACT-3'
Protein context (NP_003089.1, residues 166-186): VKYMKDVSPY[Phe176Leu]KNSTGGTSVG